The following is an entry in ClinVar:

NM_015450.3(POT1):c.172A>C (p.Thr58Pro)

Gene: POT1 (protection of telomeres 1; minus strand). Cytogenetic location: 7q31.33.
Variant type: single nucleotide variant.
Coding change: c.172A>C on transcript NM_015450.3 (MANE Select); coding-DNA position 172, A replaced by C.
Protein change: p.Thr58Pro; replaces threonine 58 with proline.
Molecular consequence: missense variant. On other transcripts: non-coding transcript variant (3), intron variant (1).
Genome position (GRCh38, 1-based): chr7:124,870,994, T>G on the plus strand (A>C on the coding strand, the complement: POT1 is on the minus strand). VCF-style: chr7-124870994-T-G. GRCh37 (hg19) VCF-style: chr7-124511048-T-G.
Other names: c.172A>C (NM_015450.2); c.-138-7354A>C (NM_001042594.2); short protein forms T58P.
Identifiers: ClinVar variation 2829812 (VCV002829812.4), dbSNP rs2485505097, ClinGen allele CA369061577.

ClinVar aggregate classification (germline): Uncertain significance. Review status: criteria provided, multiple submitters, no conflicts (2 of 4 stars). 2 submissions from 2 submitters: Uncertain significance (2). Last evaluated 2024-11-03.

Conditions:
Hereditary cancer-predisposing syndrome. Also called: Neoplastic Syndromes, Hereditary; Hereditary neoplastic syndrome; Hereditary Cancer Syndrome; Tumor predisposition. Identifiers: Orphanet 140162, MedGen C0027672, MeSH D009386, MONDO:0015356.
Tumor predisposition syndrome 3 (TPDS3). Also called: Melanoma, cutaneous malignant, susceptibility to, 10; LONG TELOMERE SYNDROME, POT1-RELATED; POT1 Tumor Predisposition; Glioma susceptibility 9. Identifiers: Orphanet 618, MedGen C4014476, MONDO:0014368, OMIM 615848.

Submissions (2):

Ambry Genetics
Classification: Uncertain significance for Hereditary cancer-predisposing syndrome. Last evaluated: 2024-11-03. Review status: criteria provided, single submitter. Criteria: Ambry Variant Classification Scheme 2023. Collection method: clinical testing. Allele origin: germline.
Comment: The p.T58P variant (also known as c.172A>C), located in coding exon 3 of the POT1 gene, results from an A to C substitution at nucleotide position 172. The threonine at codon 58 is replaced by proline, an amino acid with highly similar properties. This amino acid position is conserved. In addition, the in silico prediction for this alteration is inconclusive. Based on the available evidence, the clinical significance of this variant remains unclear.

Labcorp Genetics (formerly Invitae), Labcorp
Classification: Uncertain significance for Tumor predisposition syndrome 3. Last evaluated: 2023-08-18. Review status: criteria provided, single submitter. Criteria: Invitae Variant Classification Sherloc (09022015). Collection method: clinical testing. Allele origin: germline.
Comment: This sequence change replaces threonine, which is neutral and polar, with proline, which is neutral and non-polar, at codon 58 of the POT1 protein (p.Thr58Pro). This variant is not present in population databases (gnomAD no frequency). This variant has not been reported in the literature in individuals affected with POT1-related conditions. Advanced modeling of protein sequence and biophysical properties (such as structural, functional, and spatial information, amino acid conservation, physicochemical variation, residue mobility, and thermodynamic stability) performed at Invitae indicates that this missense variant is not expected to disrupt POT1 protein function. In summary, the available evidence is currently insufficient to determine the role of this variant in disease. Therefore, it has been classified as a Variant of Uncertain Significance.